The following is an entry in ClinVar:

ClinVar aggregate classification (germline): Uncertain significance. Review status: criteria provided, multiple submitters, no conflicts (2 of 4 stars). 2 submissions from 2 submitters: Uncertain significance (2). Last evaluated 2024-06-21.

Conditions:
Long QT syndrome (LQTS). Identifiers: MedGen C0023976, MeSH D008133, MONDO:0002442. Disease mechanism: loss of function. Inheritance: Various modes of inheritance.

Allele frequency attached by ClinVar (database versions not stated): gnomAD exomes below 0.00001.
gnomAD v4.1: 2 of 1,612,794 alleles (0.00012%); highest among the groups gnomAD compares: Non-Finnish European, 0.00017%; no homozygotes.

Submissions (2):

GeneDx
Classification: Uncertain significance. Last evaluated: 2024-06-21. Review status: criteria provided, single submitter. Criteria: GeneDx Variant Classification Process June 2021. Collection method: clinical testing. Allele origin: germline. Affected: yes.
Comment: Not observed at significant frequency in large population cohorts (gnomAD); In silico analysis supports that this missense variant has a deleterious effect on protein structure/function; Has not been previously published as pathogenic or benign to our knowledge

Labcorp Genetics (formerly Invitae), Labcorp
Classification: Uncertain significance for Long QT syndrome. Last evaluated: 2022-07-05. Review status: criteria provided, single submitter. Criteria: Invitae Variant Classification Sherloc (09022015). Collection method: clinical testing. Allele origin: germline.
Comment: This sequence change replaces valine, which is neutral and non-polar, with methionine, which is neutral and non-polar, at codon 979 of the CACNA1C protein (p.Val979Met). This variant is not present in population databases (gnomAD no frequency). This variant has not been reported in the literature in individuals affected with CACNA1C-related conditions. ClinVar contains an entry for this variant (Variation ID: 546247). Algorithms developed to predict the effect of missense changes on protein structure and function are either unavailable or do not agree on the potential impact of this missense change (SIFT: "Deleterious"; PolyPhen-2: "Probably Damaging"; Align-GVGD: "Class C0"). In summary, the available evidence is currently insufficient to determine the role of this variant in disease. Therefore, it has been classified as a Variant of Uncertain Significance.

NM_000719.7(CACNA1C):c.2935G>A (p.Val979Met)

Gene: CACNA1C (calcium voltage-gated channel subunit alpha1 C; plus strand). Cytogenetic location: 12p13.33.
Variant type: single nucleotide variant.
Coding change: c.2935G>A on transcript NM_000719.7 (MANE Select); coding-DNA position 2935, G replaced by A.
Protein change: p.Val979Met; replaces valine 979 with methionine.
Molecular consequence: missense variant.
Genome position (GRCh38, 1-based): chr12:2,601,935, G>A. VCF-style: chr12-2601935-G-A. GRCh37 (hg19) VCF-style: chr12-2711101-G-A.
Other names: c.2995G>A, p.Val999Met (NM_001129827.2, NM_001129832.2, NM_199460.4); c.2935G>A, p.Val979Met (NM_001129829.2, NM_001129830.3, NM_001129831.2 and 15 more transcripts); c.2926G>A, p.Val976Met (NM_001129844.2); short protein forms V979M, V999M, V976M.
Identifiers: ClinVar variation 546247 (VCV000546247.6), dbSNP rs1555874590, ClinGen allele CA383373179.